The following is an entry in ClinVar:

NM_001369268.1(ACAN):c.6898G>A (p.Val2300Ile)

Gene: ACAN (aggrecan; plus strand). Cytogenetic location: 15q26.1.
Variant type: single nucleotide variant.
Coding change: c.6898G>A on transcript NM_001369268.1 (MANE Select); coding-DNA position 6898, G replaced by A.
Protein change: p.Val2300Ile; replaces valine 2300 with isoleucine.
Molecular consequence: missense variant. On other transcripts: intron variant (1).
Genome position (GRCh38, 1-based): chr15:88,860,391, G>A. VCF-style: chr15-88860391-G-A. GRCh37 (hg19) VCF-style: chr15-89403622-G-A.
Other names: c.6898G>A, p.Val2300Ile (NM_013227.4); c.6832+974G>A (NM_001135.4); c.6898G>A (NM_013227.3); short protein forms V2300I.
Identifiers: ClinVar variation 2065707 (VCV002065707.5), dbSNP rs373674144, ClinGen allele CA7720519.
Genomic context (GRCh38, chr15:88,860,391, plus strand): 5'-GCCAGGTCCTGTGCAGAGGAGCCCTGTGGAGCTGGGACCTGCAAGGAGACAGAGGGACAC[G>A]TCATATGCCTGTGCCCCCCTGGCTACACTGGCGAGCACTGTAACATAGGTAAGGCCCTCA-3'
Protein context (NP_001356197.1, residues 2290-2310): AGTCKETEGH[Val2300Ile]ICLCPPGYTG

ClinVar aggregate classification (germline): Uncertain significance. Review status: criteria provided, multiple submitters, no conflicts (2 of 4 stars). 2 submissions from 2 submitters: Uncertain significance (2). Last evaluated 2025-09-03.

Conditions:
Inborn genetic diseases. Identifiers: MedGen C0950123, MeSH D030342.

Allele frequency attached by ClinVar (database versions not stated): ExAC 0.00003; gnomAD exomes 0.00005; gnomAD 0.00012; TOPMed 0.00012; ESP Exome Variant Server 0.00016.
gnomAD v4.1: 94 of 1,613,698 alleles (0.0058%); highest among the groups gnomAD compares: African/African-American, 0.028%; 1 homozygote.

Submissions (2):

Labcorp Genetics (formerly Invitae), Labcorp
Classification: Uncertain significance. Last evaluated: 2025-09-03. Review status: criteria provided, single submitter. Criteria: Invitae Variant Classification Sherloc (09022015). Collection method: clinical testing. Allele origin: germline.
Comment: This sequence change replaces valine, which is neutral and non-polar, with isoleucine, which is neutral and non-polar, at codon 2300 of the ACAN protein (p.Val2300Ile). This variant is present in population databases (rs373674144, gnomAD 0.02%). This variant has not been reported in the literature in individuals affected with ACAN-related conditions. ClinVar contains an entry for this variant (Variation ID: 2065707). An algorithm developed to predict the effect of missense changes on protein structure and function outputs the following: PolyPhen-2: "Possibly Damaging". The isoleucine amino acid residue is found in multiple mammalian species, which suggests that this missense change does not adversely affect protein function. In summary, the available evidence is currently insufficient to determine the role of this variant in disease. Therefore, it has been classified as a Variant of Uncertain Significance.

Ambry Genetics
Classification: Uncertain significance for Inborn genetic diseases. Last evaluated: 2024-12-11. Review status: criteria provided, single submitter. Criteria: Ambry Variant Classification Scheme 2023. Collection method: clinical testing. Allele origin: germline.